The following is an entry in ClinVar:

NM_145290.4(ADGRA3):c.988C>G (p.Arg330Gly)

Gene: ADGRA3 (adhesion G protein-coupled receptor A3; minus strand). Cytogenetic location: 4p15.2.
Variant type: single nucleotide variant.
Coding change: c.988C>G on transcript NM_145290.4 (MANE Select); coding-DNA position 988, C replaced by G.
Protein change: p.Arg330Gly; replaces arginine 330 with glycine.
Molecular consequence: missense variant.
Genome position (GRCh38, 1-based): chr4:22,438,353, G>C on the plus strand (C>G on the coding strand, the complement: ADGRA3 is on the minus strand). VCF-style: chr4-22438353-G-C. GRCh37 (hg19) VCF-style: chr4-22439976-G-C.
Other names: c.988C>G (NM_145290.2); short protein forms R330G.
Identifiers: ClinVar variation 1523115 (VCV001523115.7), dbSNP rs775111076, ClinGen allele CA356482696.

ClinVar aggregate classification (germline): Uncertain significance. Review status: criteria provided, multiple submitters, no conflicts (2 of 4 stars). 2 submissions from 2 submitters: Uncertain significance (2). Last evaluated 2025-12-11.

Submissions (2):

Ambry Genetics
Classification: Uncertain significance. Last evaluated: 2025-12-11. Review status: criteria provided, single submitter. Criteria: Ambry Variant Classification Scheme 2023. Collection method: clinical testing. Allele origin: germline.

Labcorp Genetics (formerly Invitae), Labcorp
Classification: Uncertain significance. Last evaluated: 2021-10-06. Review status: criteria provided, single submitter. Criteria: Invitae Variant Classification Sherloc (09022015). Collection method: clinical testing. Allele origin: germline.
Comment: This sequence change replaces arginine with glycine at codon 330 of the ADGRA3 protein (p.Arg330Gly). The arginine residue is highly conserved and there is a moderate physicochemical difference between arginine and glycine. This variant has not been reported in the literature in individuals affected with ADGRA3-related conditions. This variant is not present in population databases (ExAC no frequency). Algorithms developed to predict the effect of missense changes on protein structure and function are either unavailable or do not agree on the potential impact of this missense change (SIFT: "Deleterious"; PolyPhen-2: "Probably Damaging"; Align-GVGD: "Class C0"). In summary, the available evidence is currently insufficient to determine the role of this variant in disease. Therefore, it has been classified as a Variant of Uncertain Significance.